The following is an entry in ClinVar:

ClinVar aggregate classification (germline): Benign. Review status: criteria provided, multiple submitters, no conflicts (2 of 4 stars). 6 submissions from 4 submitters: Benign (6). Last evaluated 2026-02-02.

Conditions:
Cone-rod dystrophy 2 (CORD2). Also called: CONE-ROD RETINAL DYSTROPHY; Cone-rod retinal dystrophy 2. Identifiers: Orphanet 1872, MedGen C3489532, MONDO:0007362, OMIM 120970.
Leber congenital amaurosis 7 (LCA7). Identifiers: Orphanet 65, MedGen C3151192, MONDO:0013449, OMIM 613829.
Retinitis pigmentosa (RP). Identifiers: Orphanet 791, MedGen C0035334, MeSH D012174, MONDO:0019200, OMIM 268000. Inheritance: Autosomal dominant, autosomal recessive and X linked inheritance.

Allele frequency attached by ClinVar (database versions not stated): 1000 Genomes Project 0.01298; gnomAD 0.01326 and 0.01428; 1000 Genomes Project 30x 0.01390; ESP Exome Variant Server 0.01392; TOPMed 0.01551; gnomAD exomes 0.00140 and 0.00356; ExAC 0.00413.

Submissions (6):

Labcorp Genetics (formerly Invitae), Labcorp
Classification: Benign for Cone-rod dystrophy 2; Leber congenital amaurosis 7. Last evaluated: 2026-02-02. Review status: criteria provided, single submitter. Criteria: Invitae Variant Classification Sherloc (09022015). Collection method: clinical testing. Allele origin: germline.

GeneDx
Classification: Benign. Last evaluated: 2019-05-02. Review status: criteria provided, single submitter. Criteria: GeneDx Variant Classification Process June 2021. Collection method: clinical testing. Allele origin: germline. Affected: yes.

Illumina Laboratory Services, Illumina
Classification: Benign for Retinitis pigmentosa. Last evaluated: 2018-01-12. Review status: criteria provided, single submitter. Criteria: ICSL Variant Classification Criteria 13 December 2019. Collection method: clinical testing. Allele origin: germline.
Comment: This variant was observed in the ICSL laboratory as part of a predisposition screen in an ostensibly healthy population. It had not been previously curated by ICSL or reported in the Human Gene Mutation Database (HGMD: prior to June 1st, 2018), and was therefore a candidate for classification through an automated scoring system. Utilizing variant allele frequency, disease prevalence and penetrance estimates, and inheritance mode, an automated score was calculated to assess if this variant is too frequent to cause the disease. Based on the score and internal cut-off values, a variant classified as benign is not then subjected to further curation. The score for this variant resulted in a classification of benign for this disease.

Illumina Laboratory Services, Illumina
Classification: Benign for Leber congenital amaurosis 7. Last evaluated: 2018-01-12. Review status: criteria provided, single submitter. Criteria: ICSL Variant Classification Criteria 13 December 2019. Collection method: clinical testing. Allele origin: germline.
Comment: the same text as in the submission from Illumina Laboratory Services, Illumina above.

Illumina Laboratory Services, Illumina
Classification: Benign for Cone-rod dystrophy 2. Last evaluated: 2018-01-12. Review status: criteria provided, single submitter. Criteria: ICSL Variant Classification Criteria 13 December 2019. Collection method: clinical testing. Allele origin: germline.
Comment: the same text as in the submission from Illumina Laboratory Services, Illumina above.

Breakthrough Genomics
Classification: Benign. Review status: criteria provided, single submitter. Criteria: ACMG Guidelines, 2015. Collection method: not provided. Allele origin: germline. Inheritance: Autosomal dominant inheritance. Affected: yes.

NM_000554.6(CRX):c.101-12A>G

Gene: CRX (cone-rod homeobox; plus strand). Cytogenetic location: 19q13.33.
Variant type: single nucleotide variant.
Coding change: c.101-12A>G on transcript NM_000554.6 (MANE Select); 12 bases into the intron before coding-DNA position 101, A replaced by G.
Molecular consequence: intron variant.
Genome position (GRCh38, 1-based): chr19:47,836,231, A>G. VCF-style: chr19-47836231-A-G. GRCh37 (hg19) VCF-style: chr19-48339488-A-G.
Identifiers: ClinVar variation 329695 (VCV000329695.15), dbSNP rs73941294, ClinGen allele CA9544396.